The following is an entry in ClinVar:

NM_001371395.1(USP53):c.1340A>G (p.Glu447Gly)

Gene: USP53 (ubiquitin specific peptidase 53; plus strand). Cytogenetic location: 4q26.
Variant type: single nucleotide variant.
Coding change: c.1340A>G on transcript NM_001371395.1 (MANE Select); coding-DNA position 1340, A replaced by G.
Protein change: p.Glu447Gly; replaces glutamic acid 447 with glycine.
Molecular consequence: missense variant.
Genome position (GRCh38, 1-based): chr4:119,269,742, A>G. VCF-style: chr4-119269742-A-G. GRCh37 (hg19) VCF-style: chr4-120190897-A-G.
Other names: c.992A>G, p.Glu331Gly (NM_001389664.1, NM_001389666.1, NM_001389662.1 and 1 more transcripts); c.839A>G, p.Glu280Gly (NM_001389665.1, NM_001389667.1); c.1340A>G, p.Glu447Gly (NM_019050.3, NM_001371397.1, NM_001371398.1 and 3 more transcripts); c.1187A>G, p.Glu396Gly (NM_001371396.1, NM_001389661.1); c.1190A>G, p.Glu397Gly (NM_001389660.1); short protein forms E280G, E447G, E397G, E331G, E396G.
Identifiers: ClinVar variation 4765538 (VCV004765538.1).

ClinVar aggregate classification (germline): Uncertain significance (1 of 4 stars; one submission).

Submission:

Labcorp Genetics (formerly Invitae), Labcorp
Classification: Uncertain significance. Last evaluated: 2025-12-01. Review status: criteria provided, single submitter. Criteria: Invitae Variant Classification Sherloc (09022015). Collection method: clinical testing. Allele origin: germline.
Comment: This sequence change replaces glutamic acid, which is acidic and polar, with glycine, which is neutral and non-polar, at codon 447 of the USP53 protein (p.Glu447Gly). This variant is present in population databases (no rsID available, gnomAD 0.01%). This variant has not been reported in the literature in individuals affected with USP53-related conditions. Invitae Evidence Modeling of protein sequence and biophysical properties (such as structural, functional, and spatial information, amino acid conservation, physicochemical variation, residue mobility, and thermodynamic stability) indicates that this missense variant is expected to disrupt USP53 protein function with a positive predictive value of 80%. In summary, the available evidence is currently insufficient to determine the role of this variant in disease. Therefore, it has been classified as a Variant of Uncertain Significance.